The following is an entry in ClinVar:

NM_000158.4(GBE1):c.313A>G (p.Asn105Asp)

Gene: GBE1 (1,4-alpha-glucan branching enzyme 1; minus strand). Cytogenetic location: 3p12.2.
Variant type: single nucleotide variant.
Coding change: c.313A>G on transcript NM_000158.4 (MANE Select); coding-DNA position 313, A replaced by G.
Protein change: p.Asn105Asp; replaces asparagine 105 with aspartic acid.
Molecular consequence: missense variant.
Genome position (GRCh38, 1-based): chr3:81,705,444, T>C on the plus strand (A>G on the coding strand, the complement: GBE1 is on the minus strand). VCF-style: chr3-81705444-T-C. GRCh37 (hg19) VCF-style: chr3-81754595-T-C.
Other names: short protein forms N105D.
Identifiers: ClinVar variation 4793221 (VCV004793221.1).

ClinVar aggregate classification (germline): Uncertain significance (1 of 4 stars; one submission).

Conditions:
Glycogen storage disease IV, classic hepatic. Also called: GSD IV, CLASSIC HEPATIC. Identifiers: MedGen C1856301.
Glycogen storage disease, type IV (GSD4). Also called: GSD IV; Glycogen storage disease due to glycogen branching enzyme deficiency; AMYLOPECTINOSIS; ANDERSEN DISEASE; BRANCHER DEFICIENCY; CIRRHOSIS, FAMILIAL, WITH DEPOSITION OF ABNORMAL GLYCOGEN. Identifiers: Orphanet 367, MedGen C0017923, MONDO:0009292, OMIM 232500.

Submission:

Labcorp Genetics (formerly Invitae), Labcorp
Classification: Uncertain significance for Glycogen storage disease, type IV; Glycogen storage disease IV, classic hepatic. Last evaluated: 2025-05-13. Review status: criteria provided, single submitter. Criteria: Invitae Variant Classification Sherloc (09022015). Collection method: clinical testing. Allele origin: germline.
Comment: This sequence change replaces asparagine, which is neutral and polar, with aspartic acid, which is acidic and polar, at codon 105 of the GBE1 protein (p.Asn105Asp). This variant is not present in population databases (gnomAD no frequency). This variant has not been reported in the literature in individuals affected with GBE1-related conditions. An algorithm developed to predict the effect of missense changes on protein structure and function (PolyPhen-2) suggests that this variant is likely to be disruptive. In summary, the available evidence is currently insufficient to determine the role of this variant in disease. Therefore, it has been classified as a Variant of Uncertain Significance.